The following is an entry in ClinVar:

ClinVar aggregate classification (germline): Uncertain significance. Review status: criteria provided, multiple submitters, no conflicts (2 of 4 stars). 3 submissions from 3 submitters: Uncertain significance (3). Last evaluated 2024-12-09.

Conditions:
Hereditary cancer-predisposing syndrome. Also called: Hereditary neoplastic syndrome; Neoplastic Syndromes, Hereditary; Tumor predisposition; Hereditary Cancer Syndrome. Identifiers: Orphanet 140162, MedGen C0027672, MeSH D009386, MONDO:0015356.
Familial adenomatous polyposis 1 (FAP1). Also called: POLYPOSIS, ADENOMATOUS INTESTINAL; FAMILIAL ADENOMATOUS POLYPOSIS 1, ATTENUATED. Identifiers: MedGen C2713442, MONDO:0021056, OMIM 175100. Disease mechanism: loss of function.

Allele frequency attached by ClinVar (database versions not stated): TOPMed below 0.00001.

Submissions (3):

Labcorp Genetics (formerly Invitae), Labcorp
Classification: Uncertain significance for Familial adenomatous polyposis 1. Last evaluated: 2024-12-09. Review status: criteria provided, single submitter. Criteria: Invitae Variant Classification Sherloc (09022015). Collection method: clinical testing. Allele origin: germline.
Comment: This sequence change replaces alanine, which is neutral and non-polar, with valine, which is neutral and non-polar, at codon 2397 of the APC protein (p.Ala2397Val). This variant is not present in population databases (gnomAD no frequency). This variant has not been reported in the literature in individuals affected with APC-related conditions. ClinVar contains an entry for this variant (Variation ID: 470084). Invitae Evidence Modeling of protein sequence and biophysical properties (such as structural, functional, and spatial information, amino acid conservation, physicochemical variation, residue mobility, and thermodynamic stability) indicates that this missense variant is not expected to disrupt APC protein function with a negative predictive value of 95%. In summary, the available evidence is currently insufficient to determine the role of this variant in disease. Therefore, it has been classified as a Variant of Uncertain Significance.

Color Diagnostics, LLC DBA Color Health
Classification: Uncertain significance for Hereditary cancer-predisposing syndrome. Last evaluated: 2023-12-04. Review status: criteria provided, single submitter. Criteria: ACMG Guidelines, 2015. Collection method: clinical testing. Allele origin: germline.
Comment: This missense variant replaces alanine with valine at codon 2397 of the APC protein. Computational prediction suggests that this variant may not impact protein structure and function (internally defined REVEL score threshold <= 0.5, PMID: 27666373). To our knowledge, functional studies have not been reported for this variant. This variant has not been reported in individuals affected with APC-related disorders in the literature. This variant has not been identified in the general population by the Genome Aggregation Database (gnomAD). The available evidence is insufficient to determine the role of this variant in disease conclusively. Therefore, this variant is classified as a Variant of Uncertain Significance.

Ambry Genetics
Classification: Uncertain significance for Hereditary cancer-predisposing syndrome. Last evaluated: 2019-06-19. Review status: criteria provided, single submitter. Criteria: Ambry Variant Classification Scheme 2023. Collection method: clinical testing. Allele origin: germline.
Comment: The p.A2397V variant (also known as c.7190C>T), located in coding exon 15 of the APC gene, results from a C to T substitution at nucleotide position 7190. The alanine at codon 2397 is replaced by valine, an amino acid with similar properties. This amino acid position is well conserved in available vertebrate species. In addition, in silico predictors for this gene do not accurately predict pathogenicity. Since supporting evidence is limited at this time, the clinical significance of this alteration remains unclear.

NM_000038.6(APC):c.7190C>T (p.Ala2397Val)

Gene: APC (APC regulator of Wnt signaling pathway; plus strand). Cytogenetic location: 5q22.2.
Variant type: single nucleotide variant.
Coding change: c.7190C>T on transcript NM_000038.6 (MANE Select); coding-DNA position 7190, C replaced by T.
Protein change: p.Ala2397Val; replaces alanine 2397 with valine.
Molecular consequence: missense variant.
Genome position (GRCh38, 1-based): chr5:112,842,784, C>T. VCF-style: chr5-112842784-C-T. GRCh37 (hg19) VCF-style: chr5-112178481-C-T.
Other names: c.7190C>T, p.Ala2397Val (NM_001127510.3, NM_001354895.2); c.7136C>T, p.Ala2379Val (NM_001127511.3); c.7244C>T, p.Ala2415Val (NM_001354896.2); c.7220C>T, p.Ala2407Val (NM_001354897.2); c.7115C>T, p.Ala2372Val (NM_001354898.2); c.7106C>T, p.Ala2369Val (NM_001354899.2); c.7067C>T, p.Ala2356Val (NM_001354900.2); c.7013C>T, p.Ala2338Val (NM_001354901.2); and 5 more; short protein forms A2379V, A2397V, A2369V, A2415V, A2114V, A2237V, A2338V, A2356V.
Identifiers: ClinVar variation 470084 (VCV000470084.19), dbSNP rs1554088113, ClinGen allele CA16036993.